The following is an entry in ClinVar:

NM_005559.4(LAMA1):c.416G>A (p.Arg139His)

Gene: LAMA1 (laminin subunit alpha 1; minus strand). Cytogenetic location: 18p11.31.
Variant type: single nucleotide variant.
Coding change: c.416G>A on transcript NM_005559.4 (MANE Select); coding-DNA position 416, G replaced by A.
Protein change: p.Arg139His; replaces arginine 139 with histidine.
Molecular consequence: missense variant.
Genome position (GRCh38, 1-based): chr18:7,050,866, C>T on the plus strand (G>A on the coding strand, the complement: LAMA1 is on the minus strand). VCF-style: chr18-7050866-C-T. GRCh37 (hg19) VCF-style: chr18-7050865-C-T.
Other names: short protein forms R139H.
Identifiers: ClinVar variation 2365270 (VCV002365270.3), dbSNP rs758095510, ClinGen allele CA8883307.

ClinVar aggregate classification (germline): Uncertain significance. Review status: criteria provided, multiple submitters, no conflicts (2 of 4 stars). 2 submissions from 2 submitters: Uncertain significance (2). Last evaluated 2025-07-09.

Conditions:
Inborn genetic diseases. Identifiers: MedGen C0950123, MeSH D030342.
LAMA1-related disorder. Also called: LAMA1-related condition; LAMA1-related disorders.

Allele frequency attached by ClinVar (database versions not stated): gnomAD 0.00001; ExAC 0.00003; gnomAD exomes 0.00003; TOPMed 0.00003.
gnomAD v4.1: 49 of 1,614,050 alleles (0.003%); highest among the groups gnomAD compares: Admixed American, 0.012%; no homozygotes.

Submissions (2):

PreventionGenetics, part of Exact Sciences
Classification: Uncertain significance for LAMA1-related condition. Last evaluated: 2025-07-09. Review status: criteria provided, single submitter. Criteria: ACMG Guidelines, 2015. Collection method: clinical testing. Allele origin: germline.
Comment: The LAMA1 c.416G>A variant is predicted to result in the amino acid substitution p.Arg139His. To our knowledge, this variant has not been reported in the literature. This variant is reported in 0.014% of alleles in individuals of Latino descent in gnomAD. At this time, the clinical significance of this variant is uncertain due to the absence of conclusive functional and genetic evidence.

Ambry Genetics
Classification: Uncertain significance for Inborn genetic diseases. Last evaluated: 2021-10-12. Review status: criteria provided, single submitter. Criteria: Ambry Variant Classification Scheme 2023. Collection method: clinical testing. Allele origin: germline.